The following is an entry in ClinVar:

NM_000179.3(MSH6):c.3397A>G (p.Thr1133Ala)

Gene: MSH6 (mutS homolog 6; plus strand). Cytogenetic location: 2p16.3.
Variant type: single nucleotide variant.
Coding change: c.3397A>G on transcript NM_000179.3 (MANE Select); coding-DNA position 3397, A replaced by G.
Protein change: p.Thr1133Ala; replaces threonine 1133 with alanine.
Molecular consequence: missense variant.
Genome position (GRCh38, 1-based): chr2:47,803,644, A>G. VCF-style: chr2-47803644-A-G. GRCh37 (hg19) VCF-style: chr2-48030783-A-G.
Other names: c.3007A>G, p.Thr1003Ala (NM_001281492.2); c.2491A>G, p.Thr831Ala (NM_001281493.2, NM_001281494.2); short protein forms T1003A, T831A, T1133A.
Identifiers: ClinVar variation 1403690 (VCV001403690.8), dbSNP rs2104484455, ClinGen allele CA346758864.

ClinVar aggregate classification (germline): Uncertain significance (1 of 4 stars; one submission).

Conditions:
Hereditary nonpolyposis colorectal neoplasms. Identifiers: MedGen C0009405, MeSH D003123.

Submission:

Labcorp Genetics (formerly Invitae), Labcorp
Classification: Uncertain significance for Hereditary nonpolyposis colorectal neoplasms. Last evaluated: 2021-01-15. Review status: criteria provided, single submitter. Criteria: Invitae Variant Classification Sherloc (09022015). Collection method: clinical testing. Allele origin: germline.
Comment: This sequence change replaces threonine with alanine at codon 1133 of the MSH6 protein (p.Thr1133Ala). The threonine residue is highly conserved and there is a small physicochemical difference between threonine and alanine. This variant is not present in population databases (ExAC no frequency). This variant has not been reported in the literature in individuals with MSH6-related conditions. Advanced modeling of protein sequence and biophysical properties (such as structural, functional, and spatial information, amino acid conservation, physicochemical variation, residue mobility, and thermodynamic stability) performed at Invitae indicates that this missense variant is expected to disrupt MSH6 protein function. In summary, the available evidence is currently insufficient to determine the role of this variant in disease. Therefore, it has been classified as a Variant of Uncertain Significance.